The following is an entry in ClinVar:

ClinVar aggregate classification (germline): Uncertain significance (1 of 4 stars; one submission).

Submission:

Women's Health and Genetics/Laboratory Corporation of America, LabCorp
Classification: Uncertain significance. Last evaluated: 2024-05-17. Review status: criteria provided, single submitter. Criteria: LabCorp Variant Classification Summary - May 2015. Collection method: clinical testing. Allele origin: germline.
Comment: Variant summary: GRIN1 c.13C>T (p.Arg5Cys) results in a non-conservative amino acid change in the encoded protein sequence. Four of five in-silico tools predict a damaging effect of the variant on protein function. The variant allele was found at a frequency of 8.7e-06 in 228636 control chromosomes. The available data on variant occurrences in the general population are insufficient to allow any conclusion about variant significance. To our knowledge, no occurrence of c.13C>T in individuals affected with Neurodevelopmental Disorder With Or Without Hyperkinetic Movements And Seizures, Autosomal Dominant and no experimental evidence demonstrating its impact on protein function have been reported. No submitters have cited clinical-significance assessments for this variant to ClinVar. Based on the evidence outlined above, the variant was classified as uncertain significance.

NM_007327.4(GRIN1):c.13C>T (p.Arg5Cys)

Gene: GRIN1 (glutamate ionotropic receptor NMDA type subunit 1; plus strand). Cytogenetic location: 9q34.3.
Variant type: single nucleotide variant.
Coding change: c.13C>T on transcript NM_007327.4 (MANE Select); coding-DNA position 13, C replaced by T.
Protein change: p.Arg5Cys; replaces arginine 5 with cysteine.
Molecular consequence: missense variant.
Genome position (GRCh38, 1-based): chr9:137,139,499, C>T. VCF-style: chr9-137139499-C-T. GRCh37 (hg19) VCF-style: chr9-140033951-C-T.
Other names: c.13C>T, p.Arg5Cys (NM_000832.7, NM_001185090.2, NM_001185091.2 and 1 more transcripts); short protein forms R5C.
Identifiers: ClinVar variation 3336511 (VCV003336511.1).